The following is an entry in ClinVar:

ClinVar aggregate classification (germline): Uncertain significance (1 of 4 stars; one submission).

Conditions:
Multiple endocrine neoplasia, type 1 (MEN1). Also called: MEN I; WERMER SYNDROME; Endocrine adenomatosis multiple; MEN 1; MEA I. Identifiers: Orphanet 652, MedGen C0025267, MeSH D018761, MONDO:0007540, OMIM 131100.

Submission:

Labcorp Genetics (formerly Invitae), Labcorp
Classification: Uncertain significance for Multiple endocrine neoplasia, type 1. Last evaluated: 2023-06-27. Review status: criteria provided, single submitter. Criteria: Invitae Variant Classification Sherloc (09022015). Collection method: clinical testing. Allele origin: germline.
Comment: In summary, the available evidence is currently insufficient to determine the role of this variant in disease. Therefore, it has been classified as a Variant of Uncertain Significance. Advanced modeling of protein sequence and biophysical properties (such as structural, functional, and spatial information, amino acid conservation, physicochemical variation, residue mobility, and thermodynamic stability) performed at Invitae indicates that this missense variant is expected to disrupt MEN1 protein function. This variant has not been reported in the literature in individuals affected with MEN1-related conditions. This variant is not present in population databases (gnomAD no frequency). This sequence change replaces glutamic acid, which is acidic and polar, with glycine, which is neutral and non-polar, at codon 363 of the MEN1 protein (p.Glu363Gly).

NM_001370259.2(MEN1):c.1088A>G (p.Glu363Gly)

Gene: MEN1 (menin 1; minus strand). Cytogenetic location: 11q13.1.
Variant type: single nucleotide variant.
Coding change: c.1088A>G on transcript NM_001370259.2 (MANE Select); coding-DNA position 1088, A replaced by G.
Protein change: p.Glu363Gly; replaces glutamic acid 363 with glycine.
Molecular consequence: missense variant. On other transcripts: non-coding transcript variant (4).
Genome position (GRCh38, 1-based): chr11:64,805,732, T>C on the plus strand (A>G on the coding strand, the complement: MEN1 is on the minus strand). VCF-style: chr11-64805732-T-C. GRCh37 (hg19) VCF-style: chr11-64573204-T-C.
Other names: c.1088A>G, p.Glu363Gly (NM_001370260.2, NM_001370261.2, NM_001407146.1 and 3 more transcripts); c.983A>G, p.Glu328Gly (NM_001370262.2, NM_001370263.2, NM_001407148.1 and 1 more transcripts); c.1214A>G, p.Glu405Gly (NM_001407142.1, NM_001407143.1, NM_001407144.1 and 1 more transcripts); c.1103A>G, p.Glu368Gly (NM_001407145.1, NM_130801.3, NM_130802.3 and 4 more transcripts); c.1229A>G, p.Glu410Gly (NM_001407150.1); c.1109A>G, p.Glu370Gly (NM_001407151.1); short protein forms E328G, E363G, E370G, E410G, E368G, E405G.
Identifiers: ClinVar variation 2729947 (VCV002729947.3), dbSNP rs2497159761, ClinGen allele CA381182721.
Genomic context (GRCh38, chr11:64,805,732, plus strand): 5'-AGCAAGCTGGCTGCCTCCTTCAGCAGGTTGGGGATGACATCATTGGCTACTTCAAAGAAC[T>C]CCTTGTAGATCTCCTCGTCTTCCCGGCAGTAGTTGTAGCTGTGAGAGCAGTGGGGTCTCT-3'
Protein context (NP_001357188.2, residues 353-373): YCREDEEIYK[Glu363Gly]FFEVANDVIP